The following is an entry in ClinVar:

NM_005629.4(SLC6A8):c.263G>A (p.Gly88Asp)

Gene: SLC6A8 (solute carrier family 6 member 8; plus strand). Cytogenetic location: Xq28.
Variant type: single nucleotide variant.
Coding change: c.263G>A on transcript NM_005629.4 (MANE Select); coding-DNA position 263, G replaced by A.
Protein change: p.Gly88Asp; replaces glycine 88 with aspartic acid.
Molecular consequence: missense variant. On other transcripts: 5 prime UTR variant (1).
Genome position (GRCh38, 1-based): chrX:153,690,375, G>A. VCF-style: chrX-153690375-G-A. GRCh37 (hg19) VCF-style: chrX-152955830-G-A.
Other names: c.263G>A, p.Gly88Asp (NM_001142805.2); c.-83G>A (NM_001142806.1); short protein forms G88D.
Identifiers: ClinVar variation 2866169 (VCV002866169.3), dbSNP rs2522152137, ClinGen allele CA415077255.

ClinVar aggregate classification (germline): Uncertain significance (1 of 4 stars; one submission).

Conditions:
Creatine transporter deficiency (CCDS1). Also called: CEREBRAL CREATINE DEFICIENCY SYNDROME 1; Creatine Transporter (CRTR) Deficiency; Mental retardation , X-linked with seizures, short stature and midface hypoplasia; Mental retardation , X-linked, with creatine transport deficiency; X-linked creatine transporter deficiency; X-linked creatine deficiency syndrome. Identifiers: Orphanet 52503, MedGen C1845862, MONDO:0010305, OMIM 300352.

Submission:

Labcorp Genetics (formerly Invitae), Labcorp
Classification: Uncertain significance for Creatine transporter deficiency. Last evaluated: 2025-07-29. Review status: criteria provided, single submitter. Criteria: Invitae Variant Classification Sherloc (09022015). Collection method: clinical testing. Allele origin: germline.
Comment: This sequence change replaces glycine, which is neutral and non-polar, with aspartic acid, which is acidic and polar, at codon 88 of the SLC6A8 protein (p.Gly88Asp). This variant is not present in population databases (gnomAD no frequency). This variant has not been reported in the literature in individuals affected with SLC6A8-related conditions. ClinVar contains an entry for this variant (Variation ID: 2866169). Invitae Evidence Modeling of protein sequence and biophysical properties (such as structural, functional, and spatial information, amino acid conservation, physicochemical variation, residue mobility, and thermodynamic stability) indicates that this missense variant is expected to disrupt SLC6A8 protein function with a positive predictive value of 95%. In summary, the available evidence is currently insufficient to determine the role of this variant in disease. Therefore, it has been classified as a Variant of Uncertain Significance.